The following is an entry in ClinVar:

NM_005157.6(ABL1):c.2930G>A (p.Ser977Asn)

Gene: ABL1 (ABL proto-oncogene 1, non-receptor tyrosine kinase; plus strand). Cytogenetic location: 9q34.12.
Variant type: single nucleotide variant.
Coding change: c.2930G>A on transcript NM_005157.6 (MANE Select); coding-DNA position 2930, G replaced by A.
Protein change: p.Ser977Asn; replaces serine 977 with asparagine.
Molecular consequence: missense variant.
Genome position (GRCh38, 1-based): chr9:130,885,220, G>A. VCF-style: chr9-130885220-G-A. GRCh37 (hg19) VCF-style: chr9-133760607-G-A.
Other names: c.2987G>A, p.Ser996Asn (NM_007313.3); short protein forms S977N, S996N.
Identifiers: ClinVar variation 133447 (VCV000133447.4), dbSNP rs587778015, ClinGen allele CA156551.
Genomic context (GRCh38, chr9:130,885,220, plus strand): 5'-AGCCCGTGCTCCCGGCCACTCCAAAGCCACAGTCCGCCAAGCCGTCGGGGACCCCCATCA[G>A]CCCAGCCCCCGTTCCCTCCACGTTGCCATCAGCATCCTCGGCCCTGGCAGGGGACCAGCC-3'
Protein context (NP_005148.2, residues 967-987): QSAKPSGTPI[Ser977Asn]PAPVPSTLPS

ClinVar aggregate classification (germline): Likely benign. Review status: criteria provided, single submitter (1 of 4 stars). 2 submissions from 2 submitters: Likely benign (1). 1 of the submissions does not count toward it. Last evaluated 2025-05-22.

Allele frequency attached by ClinVar (database versions not stated): gnomAD 0.00001; gnomAD exomes 0.00001; TOPMed 0.00003; ExAC 0.00002.
gnomAD v4.1: 8 of 1,613,588 alleles (0.0005%); highest among the groups gnomAD compares: East Asian, 0.011%; no homozygotes.

Submissions (2):

Labcorp Genetics (formerly Invitae), Labcorp
Classification: Likely benign. Last evaluated: 2025-05-22. Review status: criteria provided, single submitter. Criteria: Invitae Variant Classification Sherloc (09022015). Collection method: clinical testing. Allele origin: germline.

ITMI
No classification provided. Condition: AllHighlyPenetrant. Last evaluated: 2013-09-19. Review status: no classification provided. Collection method: reference population. Allele origin: germline. Not counted in ClinVar's aggregate classification.
Comment: Please see associated publication for description of ethnicities

Literature cited by the submitters: PubMed 24728327 (cited by ITMI).